The following is an entry in ClinVar:

ClinVar aggregate classification (germline): Uncertain significance (0 of 4 stars; one submission).

Conditions:
EPHA2-related disorder. Also called: EPHA2-related condition.

gnomAD v4.1: 23 of 1,613,998 alleles (0.0014%); highest among the groups gnomAD compares: African/African-American, 0.016%; no homozygotes.

Submission:

PreventionGenetics, part of Exact Sciences
Classification: Uncertain significance for EPHA2-related condition. Last evaluated: 2024-02-04. Review status: no assertion criteria provided. Collection method: clinical testing. Allele origin: germline.
Comment: The EPHA2 c.1844G>A variant is predicted to result in the amino acid substitution p.Arg615Gln. To our knowledge, this variant has not been reported in the literature. This variant is reported in 0.012% of alleles in individuals of African descent in gnomAD. At this time, the clinical significance of this variant is uncertain due to the absence of conclusive functional and genetic evidence.

NM_004431.5(EPHA2):c.1844G>A (p.Arg615Gln)

Gene: EPHA2 (EPH receptor A2; minus strand). Cytogenetic location: 1p36.13.
Variant type: single nucleotide variant.
Coding change: c.1844G>A on transcript NM_004431.5 (MANE Select); coding-DNA position 1844, G replaced by A.
Protein change: p.Arg615Gln; replaces arginine 615 with glutamine.
Molecular consequence: missense variant.
Genome position (GRCh38, 1-based): chr1:16,133,501, C>T on the plus strand (G>A on the coding strand, the complement: EPHA2 is on the minus strand). VCF-style: chr1-16133501-C-T. GRCh37 (hg19) VCF-style: chr1-16459996-C-T.
Other names: c.1682G>A, p.Arg561Gln (NM_001329090.2); short protein forms R561Q, R615Q.
Identifiers: ClinVar variation 3350289 (VCV003350289.1).